The following is an entry in ClinVar:

NM_001065.4(TNFRSF1A):c.1226G>T (p.Arg409Leu)

Gene: TNFRSF1A (TNF receptor superfamily member 1A; minus strand). Cytogenetic location: 12p13.31.
Variant type: single nucleotide variant.
Coding change: c.1226G>T on transcript NM_001065.4 (MANE Select); coding-DNA position 1226, G replaced by T.
Protein change: p.Arg409Leu; replaces arginine 409 with leucine.
Molecular consequence: missense variant. On other transcripts: non-coding transcript variant (1).
Genome position (GRCh38, 1-based): chr12:6,329,454, C>A on the plus strand (G>T on the coding strand, the complement: TNFRSF1A is on the minus strand). VCF-style: chr12-6329454-C-A. GRCh37 (hg19) VCF-style: chr12-6438620-C-A.
Other names: c.902G>T, p.Arg301Leu (NM_001346091.2); c.767G>T, p.Arg256Leu (NM_001346092.2); short protein forms R256L, R301L, R409L.
Identifiers: ClinVar variation 1400533 (VCV001400533.13), dbSNP rs561674960, ClinGen allele CA6405241.

ClinVar aggregate classification (germline): Uncertain significance. Review status: criteria provided, multiple submitters, no conflicts (2 of 4 stars). 3 submissions from 3 submitters: Uncertain significance (3). Last evaluated 2025-05-11.

Conditions:
Autoinflammatory syndrome. Identifiers: Orphanet 93665, MedGen C3890737, MONDO:0019751.
TNF receptor-associated periodic fever syndrome (TRAPS) (FPF). Also called: Autosomal Dominant Familial Periodic Fever; TNF Receptor-Associated Periodic Fever Syndrome; FAMILIAL HIBERNIAN FEVER; TNF RECEPTOR-ASSOCIATED PERIODIC SYNDROME; TUMOR NECROSIS FACTOR RECEPTOR-ASSOCIATED PERIODIC SYNDROME; TNF receptor 1-associated periodic fever syndrome. Identifiers: Orphanet 32960, MedGen C1275126, MONDO:0007727, OMIM 142680.

Allele frequency attached by ClinVar (database versions not stated): 1000 Genomes Project 30x 0.00016; 1000 Genomes Project 0.00020; gnomAD 0.00001; gnomAD exomes 0.00001; ExAC 0.00002.
gnomAD v4.1: 14 of 1,589,874 alleles (0.00088%); highest among the groups gnomAD compares: South Asian, 0.016%; 1 homozygote.

Submissions (3):

Labcorp Genetics (formerly Invitae), Labcorp
Classification: Uncertain significance for TNF receptor-associated periodic fever syndrome (TRAPS). Last evaluated: 2025-05-11. Review status: criteria provided, single submitter. Criteria: Invitae Variant Classification Sherloc (09022015). Collection method: clinical testing. Allele origin: germline.
Comment: This sequence change replaces arginine, which is basic and polar, with leucine, which is neutral and non-polar, at codon 409 of the TNFRSF1A protein (p.Arg409Leu). The frequency data for this variant in the population databases is considered unreliable, as metrics indicate poor data quality at this position in the gnomAD database. This variant has not been reported in the literature in individuals affected with TNFRSF1A-related conditions. ClinVar contains an entry for this variant (Variation ID: 1400533). Invitae Evidence Modeling of protein sequence and biophysical properties (such as structural, functional, and spatial information, amino acid conservation, physicochemical variation, residue mobility, and thermodynamic stability) has been performed for this missense variant. However, the output from this modeling did not meet the statistical confidence thresholds required to predict the impact of this variant on TNFRSF1A protein function. In summary, the available evidence is currently insufficient to determine the role of this variant in disease. Therefore, it has been classified as a Variant of Uncertain Significance.

Center for Genomic Medicine, Rigshospitalet, Copenhagen University Hospital
Classification: Uncertain significance. Last evaluated: 2025-03-04. Review status: criteria provided, single submitter. Criteria: ACMG Guidelines, 2015. Collection method: clinical testing. Allele origin: germline.

Genome Diagnostics Laboratory, The Hospital for Sick Children
Classification: Uncertain significance for Autoinflammatory syndrome. Last evaluated: 2020-09-17. Review status: criteria provided, single submitter. Criteria: ACMG Guidelines, 2015. Collection method: clinical testing. Allele origin: germline. Affected: yes.

Literature cited by the submitters: PubMed 27793577 (cited by Center for Genomic Medicine, Rigshospitalet, Copenhagen University Hospital); PubMed 22566169 (cited by Center for Genomic Medicine, Rigshospitalet, Copenhagen University Hospital).